The following is an entry in ClinVar:

NM_001256715.2(DNAAF3):c.485G>T (p.Arg162Leu)

Genes: DNAAF3 (dynein axonemal assembly factor 3; minus strand), DNAAF3-AS1 (DNAAF3 antisense RNA 1; plus strand). Cytogenetic location: 19q13.42.
Variant type: single nucleotide variant.
Coding change: c.485G>T on transcript NM_001256715.2 (MANE Select); coding-DNA position 485, G replaced by T.
Protein change: p.Arg162Leu; replaces arginine 162 with leucine.
Molecular consequence: missense variant.
Genome position (GRCh38, 1-based): chr19:55,161,821, C>A on the plus strand (G>T on the coding strand, the complement: DNAAF3 is on the minus strand). VCF-style: chr19-55161821-C-A. GRCh37 (hg19) VCF-style: chr19-55673189-C-A.
Other names: c.323G>T, p.Arg108Leu (NM_001256716.2); c.626G>T, p.Arg209Leu (NM_178837.4); c.689G>T, p.Arg230Leu (NM_001256714.1); short protein forms R209L, R230L, R108L, R162L.
Identifiers: ClinVar variation 410290 (VCV000410290.1), dbSNP rs1060502832, ClinGen allele CA16616450.

ClinVar aggregate classification (germline): Uncertain significance (1 of 4 stars; one submission).

Conditions:
Primary ciliary dyskinesia. Also called: Ciliary dyskinesia. Identifiers: Orphanet 244, MedGen C0008780, MONDO:0016575, HP:0012265.

Submission:

Labcorp Genetics (formerly Invitae), Labcorp
Classification: Uncertain significance for Ciliary dyskinesia. Last evaluated: 2018-03-13. Review status: criteria provided, single submitter. Criteria: Invitae Variant Classification Sherloc (09022015). Collection method: clinical testing. Allele origin: germline.
Comment: This sequence change replaces arginine with leucine at codon 230 of the DNAAF3 protein (p.Arg230Leu). The arginine residue is moderately conserved and there is a moderate physicochemical difference between arginine and leucine. While this variant is not present in population databases, the frequency information is unreliable, as metrics indicate poor data quality at this position in the ExAC database. This variant has not been reported in the literature in an individual with a DNAAF3-related disease. Algorithms developed to predict the effect of missense changes on protein structure and function (SIFT, PolyPhen-2, Align-GVGD) all suggest that this variant is likely to be tolerated, but these predictions have not been confirmed by published functional studies. In summary, this variant is a novel missense change that is not predicted to affect protein function. There is no indication that it causes disease, but the available evidence is currently insufficient to prove that conclusively. Therefore, it has been classified as a Variant of Uncertain Significance.